The following is an entry in ClinVar:

ClinVar aggregate classification (germline): Uncertain significance (1 of 4 stars; one submission).

Submission:

Labcorp Genetics (formerly Invitae), Labcorp
Classification: Uncertain significance. Last evaluated: 2025-10-14. Review status: criteria provided, single submitter. Criteria: Invitae Variant Classification Sherloc (09022015). Collection method: clinical testing. Allele origin: germline.
Comment: This sequence change replaces glutamic acid, which is acidic and polar, with glutamine, which is neutral and polar, at codon 373 of the CSF2RB protein (p.Glu373Gln). This variant is not present in population databases (gnomAD no frequency). This variant has not been reported in the literature in individuals affected with CSF2RB-related conditions. Invitae Evidence Modeling of protein sequence and biophysical properties (such as structural, functional, and spatial information, amino acid conservation, physicochemical variation, residue mobility, and thermodynamic stability) indicates that this missense variant is not expected to disrupt CSF2RB protein function with a negative predictive value of 80%. In summary, the available evidence is currently insufficient to determine the role of this variant in disease. Therefore, it has been classified as a Variant of Uncertain Significance.

NM_000395.3(CSF2RB):c.1117G>C (p.Glu373Gln)

Gene: CSF2RB (colony stimulating factor 2 receptor subunit beta; plus strand). Cytogenetic location: 22q12.3.
Variant type: single nucleotide variant.
Coding change: c.1117G>C on transcript NM_000395.3 (MANE Select); coding-DNA position 1117, G replaced by C.
Protein change: p.Glu373Gln; replaces glutamic acid 373 with glutamine.
Molecular consequence: missense variant.
Genome position (GRCh38, 1-based): chr22:36,932,869, G>C. VCF-style: chr22-36932869-G-C. GRCh37 (hg19) VCF-style: chr22-37328911-G-C.
Other names: c.1135G>C, p.Glu379Gln (NM_001410827.1); short protein forms E379Q, E373Q.
Identifiers: ClinVar variation 4743158 (VCV004743158.1).
Genomic context (GRCh38, chr22:36,932,869, plus strand): 5'-AGCTACAGCCTGCGCTGGGAAACAATGAAAATGCGATACGAACACATAGACCACACATTT[G>C]AGATCCAGTACAGGAAAGACACGGCCACGTGGAAGGTGAGGGCCTTTGCCCAGGGAGGGG-3'
Protein context (NP_000386.1, residues 363-383): MRYEHIDHTF[Glu373Gln]IQYRKDTATW